The following is an entry in ClinVar:

NM_182961.4(SYNE1):c.14639A>G (p.Glu4880Gly)

Gene: SYNE1 (spectrin repeat containing nuclear envelope protein 1; minus strand). Cytogenetic location: 6q25.2.
Variant type: single nucleotide variant.
Coding change: c.14639A>G on transcript NM_182961.4 (MANE Select); coding-DNA position 14639, A replaced by G.
Protein change: p.Glu4880Gly; replaces glutamic acid 4880 with glycine.
Molecular consequence: missense variant.
Genome position (GRCh38, 1-based): chr6:152,330,046, T>C on the plus strand (A>G on the coding strand, the complement: SYNE1 is on the minus strand). VCF-style: chr6-152330046-T-C. GRCh37 (hg19) VCF-style: chr6-152651181-T-C.
Other names: c.14426A>G, p.Glu4809Gly (NM_033071.5); short protein forms E4809G, E4880G.
Identifiers: ClinVar variation 2101653 (VCV002101653.4), dbSNP rs2485107371, ClinGen allele CA366096921.

ClinVar aggregate classification (germline): Uncertain significance (1 of 4 stars; one submission).

Conditions:
Emery-Dreifuss muscular dystrophy 4, autosomal dominant (EDMD4). Also called: EMERY-DREIFUSS MUSCULAR DYSTROPHY 4 WITH VARIABLE FEATURES. Identifiers: Orphanet 261, MedGen C2751807, MONDO:0013071, OMIM 612998.
Autosomal recessive ataxia, Beauce type. Also called: SYNE1 Deficiency; Spinocerebellar ataxia, autosomal recessive 8; ATAXIA, RECESSIVE, OF BEAUCE; SYNE1-Related Autosomal Recessive Cerebellar Ataxia. Identifiers: Orphanet 88644, MedGen C1853116, MONDO:0012549, OMIM 610743.

Allele frequency attached by ClinVar (database versions not stated): gnomAD exomes below 0.00001.
gnomAD v4.1: 1 of 1,614,176 alleles (0.000062%); highest among the groups gnomAD compares: Non-Finnish European, 0.000085%; no homozygotes.

Submission:

Labcorp Genetics (formerly Invitae), Labcorp
Classification: Uncertain significance for Emery-Dreifuss muscular dystrophy 4, autosomal dominant; Autosomal recessive ataxia, Beauce type. Last evaluated: 2023-08-17. Review status: criteria provided, single submitter. Criteria: Invitae Variant Classification Sherloc (09022015). Collection method: clinical testing. Allele origin: germline.
Comment: This sequence change replaces glutamic acid, which is acidic and polar, with glycine, which is neutral and non-polar, at codon 4809 of the SYNE1 protein (p.Glu4809Gly). This variant is not present in population databases (gnomAD no frequency). This variant has not been reported in the literature in individuals affected with SYNE1-related conditions. ClinVar contains an entry for this variant (Variation ID: 2101653). An algorithm developed to predict the effect of missense changes on protein structure and function (PolyPhen-2) suggests that this variant is likely to be disruptive. In summary, the available evidence is currently insufficient to determine the role of this variant in disease. Therefore, it has been classified as a Variant of Uncertain Significance.